The following is an entry in ClinVar:

NM_014009.4(FOXP3):c.1072C>T (p.Arg358Trp)

Gene: FOXP3 (forkhead box P3; minus strand). Cytogenetic location: Xp11.23.
Variant type: single nucleotide variant.
Coding change: c.1072C>T on transcript NM_014009.4 (MANE Select); coding-DNA position 1072, C replaced by T.
Protein change: p.Arg358Trp; replaces arginine 358 with tryptophan.
Molecular consequence: missense variant.
Genome position (GRCh38, 1-based): chrX:49,251,738, G>A on the plus strand (C>T on the coding strand, the complement: FOXP3 is on the minus strand). VCF-style: chrX-49251738-G-A. GRCh37 (hg19) VCF-style: chrX-49108199-G-A.
Other names: c.967C>T, p.Arg323Trp (NM_001114377.2); short protein forms R323W, R358W.
Identifiers: ClinVar variation 3766092 (VCV003766092.1).

ClinVar aggregate classification (germline): Uncertain significance (1 of 4 stars; one submission).

Submission:

GeneDx
Classification: Uncertain significance. Last evaluated: 2024-08-29. Review status: criteria provided, single submitter. Criteria: GeneDx Variant Classification Process June 2021. Collection method: clinical testing. Allele origin: germline. Affected: yes.
Comment: Not observed at significant frequency in large population cohorts (gnomAD); In silico analysis indicates that this missense variant does not alter protein structure/function; This variant is associated with the following publications: (PMID: 32304219)